The following is an entry in ClinVar:

NM_001846.4(COL4A2):c.2997G>A (p.Met999Ile)

Gene: COL4A2 (collagen type IV alpha 2 chain; plus strand). Cytogenetic location: 13q34.
Variant type: single nucleotide variant.
Coding change: c.2997G>A on transcript NM_001846.4 (MANE Select); coding-DNA position 2997, G replaced by A.
Protein change: p.Met999Ile; replaces methionine 999 with isoleucine.
Molecular consequence: missense variant.
Genome position (GRCh38, 1-based): chr13:110,484,999, G>A. VCF-style: chr13-110484999-G-A. GRCh37 (hg19) VCF-style: chr13-111137346-G-A.
Other names: short protein forms M999I.
Identifiers: ClinVar variation 3621236 (VCV003621236.2).

ClinVar aggregate classification (germline): Uncertain significance (1 of 4 stars; one submission).

Submission:

Labcorp Genetics (formerly Invitae), Labcorp
Classification: Uncertain significance. Last evaluated: 2024-07-30. Review status: criteria provided, single submitter. Criteria: Invitae Variant Classification Sherloc (09022015). Collection method: clinical testing. Allele origin: germline.
Comment: This sequence change replaces methionine, which is neutral and non-polar, with isoleucine, which is neutral and non-polar, at codon 999 of the COL4A2 protein (p.Met999Ile). This variant is not present in population databases (gnomAD no frequency). This variant has not been reported in the literature in individuals affected with COL4A2-related conditions. Advanced modeling of protein sequence and biophysical properties (such as structural, functional, and spatial information, amino acid conservation, physicochemical variation, residue mobility, and thermodynamic stability) performed at Invitae indicates that this missense variant is not expected to disrupt COL4A2 protein function with a negative predictive value of 95%. In summary, the available evidence is currently insufficient to determine the role of this variant in disease. Therefore, it has been classified as a Variant of Uncertain Significance.